The following is an entry in ClinVar:

ClinVar aggregate classification (germline): Uncertain significance (1 of 4 stars; one submission).

Allele frequency attached by ClinVar (database versions not stated): gnomAD exomes below 0.00001; TOPMed below 0.00001; gnomAD 0.00001.
gnomAD v4.1: 2 of 1,613,776 alleles (0.00012%); highest among the groups gnomAD compares: African/African-American, 0.0027%; no homozygotes.

Submission:

Labcorp Genetics (formerly Invitae), Labcorp
Classification: Uncertain significance. Last evaluated: 2022-08-23. Review status: criteria provided, single submitter. Criteria: Invitae Variant Classification Sherloc (09022015). Collection method: clinical testing. Allele origin: germline.
Comment: In summary, the available evidence is currently insufficient to determine the role of this variant in disease. Therefore, it has been classified as a Variant of Uncertain Significance. Algorithms developed to predict the effect of missense changes on protein structure and function output the following: SIFT: "Deleterious"; PolyPhen-2: "Benign"; Align-GVGD: "Class C65". The leucine amino acid residue is found in multiple mammalian species, which suggests that this missense change does not adversely affect protein function. ClinVar contains an entry for this variant (Variation ID: 1392171). This variant has not been reported in the literature in individuals affected with RP1-related conditions. This variant is not present in population databases (gnomAD no frequency). This sequence change replaces serine, which is neutral and polar, with leucine, which is neutral and non-polar, at codon 269 of the RP1 protein (p.Ser269Leu).

NM_006269.2(RP1):c.806C>T (p.Ser269Leu)

Gene: RP1 (RP1 axonemal microtubule associated; plus strand). Cytogenetic location: 8q12.1.
Variant type: single nucleotide variant.
Coding change: c.806C>T on transcript NM_006269.2 (MANE Select); coding-DNA position 806, C replaced by T.
Protein change: p.Ser269Leu; replaces serine 269 with leucine.
Molecular consequence: missense variant. On other transcripts: intron variant (1).
Genome position (GRCh38, 1-based): chr8:54,624,688, C>T. VCF-style: chr8-54624688-C-T. GRCh37 (hg19) VCF-style: chr8-55537248-C-T.
Other names: c.787+2400C>T (NM_001375654.1); short protein forms S269L.
Identifiers: ClinVar variation 1392171 (VCV001392171.8), dbSNP rs1488188331, ClinGen allele CA370988620.